The following is an entry in ClinVar:

ClinVar aggregate classification (germline): Pathogenic (1 of 4 stars; one submission).

Conditions:
Breast-ovarian cancer, familial, susceptibility to, 2 (BROVCA2). Also called: BRCA2 Hereditary Breast and Ovarian Cancer. Identifiers: Orphanet 145, MedGen C2675520, MONDO:0012933, OMIM 612555. Disease mechanism: loss of function.

Submission:

Myriad Genetics, Inc.
Classification: Pathogenic for Breast-ovarian cancer, familial, susceptibility to, 2. Last evaluated: 2024-11-25. Review status: criteria provided, single submitter. Criteria: Myriad Autosomal Dominant, Autosomal Recessive and X-Linked Classification Criteria (2023). Collection method: clinical testing. Allele origin: unknown.
Comment: This variant is considered pathogenic. This variant creates a frameshift predicted to result in premature protein truncation.

NM_000059.4(BRCA2):c.2039del (p.Thr680fs)

Gene: BRCA2 (BRCA2 DNA repair associated; plus strand). Cytogenetic location: 13q13.1.
Variant type: Deletion.
Coding change: c.2039del on transcript NM_000059.4 (MANE Select); coding-DNA position 2039, one base deleted (C; older notation c.2039delC).
Protein change: p.Thr680fs; shifts the reading frame from threonine 680.
Molecular consequence: frameshift variant. On other transcripts: non-coding transcript variant (1), intron variant (2).
Genome position (GRCh38, 1-based): chr13:32,336,394, C deleted. VCF-style (leftmost placement, unchanged base first): chr13-32336393-AC-A. GRCh37 (hg19) VCF-style: chr13-32910530-AC-A.
Other names: c.2039del, p.Thr680fs (NM_001406719.1, NM_001406720.1, NM_001432077.1); c.1909+3007del (NM_001406721.1); c.424+5364del (NM_001406722.1); short protein forms T680fs.
Identifiers: ClinVar variation 3773532 (VCV003773532.1).